The following is an entry in ClinVar:

ClinVar aggregate classification (germline): Likely pathogenic. Review status: criteria provided, multiple submitters, no conflicts (2 of 4 stars). 3 submissions from 3 submitters: Likely pathogenic (2). 1 of the submissions does not count toward it. Last evaluated 2025-12-17.

Conditions:
Primary hyperoxaluria, type II (HP2). Also called: D-GLYCERATE DEHYDROGENASE DEFICIENCY; GLYCERIC ACIDURIA; GLYOXYLATE REDUCTASE/HYDROXYPYRUVATE REDUCTASE DEFICIENCY; OXALOSIS II; Primary hyperoxaluria type 2. Identifiers: Orphanet 416, Orphanet 93599, MedGen C0268165, MONDO:0009824, OMIM 260000. Disease mechanism: loss of function.

gnomAD v4.1: 3 of 1,613,926 alleles (0.00019%); highest among the groups gnomAD compares: African/African-American, 0.004%; no homozygotes.

Submissions (3):

Natera, Inc.
Classification: Likely pathogenic for Primary hyperoxaluria type II. Last evaluated: 2025-12-17. Review status: criteria provided, single submitter. Criteria: Natera Variant Classification Schema (03/2026). Collection method: clinical testing. Allele origin: germline.
Comment: The c.965T>G variant in GRHPR is a missense variant predicted to cause substitution of methionine to arginine at amino acid 322. This variant is rare in the general population with a frequency below the threshold expected for the associated phenotype(s). This variant has been observed in one or more individuals affected with the associated recessive disease, as either homozygous or compound heterozygous with a second variant (PMID: 11030416, 25629080). Functional studies show that this variant may disrupt protein function (PMID: 11030416). Computational prediction algorithms indicate this variant is likely to affect gene or protein function. Given the available evidence, this variant is classified as Likely Pathogenic.

Labcorp Genetics (formerly Invitae), Labcorp
Classification: Likely pathogenic. Last evaluated: 2023-08-03. Review status: criteria provided, single submitter. Criteria: Invitae Variant Classification Sherloc (09022015). Collection method: clinical testing. Allele origin: germline.
Comment: In summary, the currently available evidence indicates that the variant is pathogenic, but additional data are needed to prove that conclusively. Therefore, this variant has been classified as Likely Pathogenic. This variant disrupts the p.Met322 amino acid residue in GRHPR. Other variant(s) that disrupt this residue have been observed in individuals with GRHPR-related conditions (PMID: 11030416, 25629080), which suggests that this may be a clinically significant amino acid residue. Advanced modeling of protein sequence and biophysical properties (such as structural, functional, and spatial information, amino acid conservation, physicochemical variation, residue mobility, and thermodynamic stability) has been performed at Invitae for this missense variant, however the output from this modeling did not meet the statistical confidence thresholds required to predict the impact of this variant on GRHPR protein function. ClinVar contains an entry for this variant (Variation ID: 204239). This missense change has been observed in individual(s) with primary hyperoxaluria type II (PMID: 11030416). This variant is present in population databases (rs180177325, gnomAD 0.01%). This sequence change replaces methionine, which is neutral and non-polar, with arginine, which is basic and polar, at codon 322 of the GRHPR protein (p.Met322Arg).

Clinical Biochemistry Laboratory, Health Services Laboratory
Classification: Pathogenic for Primary hyperoxaluria, type II. Last evaluated: 2014-11-27. Review status: no assertion criteria provided. Collection method: in vitro. Allele origin: germline. Affected: yes. Not counted in ClinVar's aggregate classification.

Literature cited by the submitters: PubMed 11030416 (cited by 3 submitters); PubMed 25629080 (cited by Natera, Inc. and Labcorp Genetics (formerly Invitae), Labcorp).

NM_012203.2(GRHPR):c.965T>G (p.Met322Arg)

Gene: GRHPR (glyoxylate and hydroxypyruvate reductase; plus strand). Cytogenetic location: 9p13.2.
Variant type: single nucleotide variant.
Coding change: c.965T>G on transcript NM_012203.2 (MANE Select); coding-DNA position 965, T replaced by G.
Protein change: p.Met322Arg; replaces methionine 322 with arginine.
Molecular consequence: missense variant.
Genome position (GRCh38, 1-based): chr9:37,436,760, T>G. VCF-style: chr9-37436760-T-G. GRCh37 (hg19) VCF-style: chr9-37436757-T-G.
Other names: short protein forms M322R.
Identifiers: ClinVar variation 204239 (VCV000204239.7), dbSNP rs180177325, ClinGen allele CA275899.